The following is an entry in ClinVar:

ClinVar aggregate classification (germline): Uncertain significance (1 of 4 stars; one submission).

Conditions:
Smith-Magenis syndrome (SMS). Also called: CHROMOSOME 17p11.2 DELETION SYNDROME. Identifiers: Orphanet 819, MedGen C0795864, MONDO:0008434, OMIM 182290.

gnomAD v4.1: 1 of 1,612,920 alleles (0.000062%); highest among the groups gnomAD compares: East Asian, 0.0022%; no homozygotes.

Submission:

Clinical Genomics Laboratory, Washington University in St. Louis
Classification: Uncertain significance for Smith-Magenis syndrome. Last evaluated: 2024-05-07. Review status: criteria provided, single submitter. Criteria: ACMG Guidelines, 2015. Collection method: clinical testing. Allele origin: germline.
Comment: The RAI1 c.242G>A (p.Gly81Asp) variant, to our knowledge, has not been reported in the medical literature and is absent from the general population (gnomAD v.2.1.1), indicating it is not a common variant. Computational predictors suggest that the variant does not impact RAI1 function. Due to limited information, and based on ACMG/AMP guidelines for variant interpretation (Richards S et al., PMID: 25741868), the clinical significance of this variant is uncertain at this time.

NM_030665.4(RAI1):c.242G>A (p.Gly81Asp)

Gene: RAI1 (retinoic acid induced 1; plus strand). Cytogenetic location: 17p11.2.
Variant type: single nucleotide variant.
Coding change: c.242G>A on transcript NM_030665.4 (MANE Select); coding-DNA position 242, G replaced by A.
Protein change: p.Gly81Asp; replaces glycine 81 with aspartic acid.
Molecular consequence: missense variant.
Genome position (GRCh38, 1-based): chr17:17,793,190, G>A. VCF-style: chr17-17793190-G-A. GRCh37 (hg19) VCF-style: chr17-17696504-G-A.
Other names: short protein forms G81D.
Identifiers: ClinVar variation 3600382 (VCV003600382.1).
Genomic context (GRCh38, chr17:17,793,190, plus strand): 5'-GTGGCGCTGGCACGCCCTCTGGCACTGCAGCCGCGGTGGCCGCCGACAAGTACCACCGAG[G>A]CAGCAAGGCCCTGCCCACACAGCAAGGCCTGCAGGGGAGGCCGGCTTTCCCTGGCTACGG-3'
Protein context (NP_109590.3, residues 71-91): AAVAADKYHR[Gly81Asp]SKALPTQQGL